The following is an entry in ClinVar:

ClinVar aggregate classification (germline): Uncertain significance. Review status: criteria provided, multiple submitters, no conflicts (2 of 4 stars). 2 submissions from 2 submitters: Uncertain significance (2). Last evaluated 2025-05-02.

Conditions:
Inborn genetic diseases. Identifiers: MedGen C0950123, MeSH D030342.

gnomAD v4.1: 7 of 1,577,184 alleles (0.00044%); highest among the groups gnomAD compares: African/African-American, 0.0095%; no homozygotes.

Submissions (2):

Ambry Genetics
Classification: Uncertain significance for Inborn genetic diseases. Last evaluated: 2025-05-02. Review status: criteria provided, single submitter. Criteria: Ambry Variant Classification Scheme 2023. Collection method: clinical testing. Allele origin: germline.

GeneDx
Classification: Uncertain significance. Last evaluated: 2024-11-25. Review status: criteria provided, single submitter. Criteria: GeneDx Variant Classification Process June 2021. Collection method: clinical testing. Allele origin: germline. Affected: yes.
Comment: In silico analysis indicates that this missense variant does not alter protein structure/function; Has not been previously published as pathogenic or benign to our knowledge

NM_025074.7(FRAS1):c.1084G>T (p.Ala362Ser)

Gene: FRAS1 (Fraser extracellular matrix complex subunit 1; plus strand). Cytogenetic location: 4q21.21.
Variant type: single nucleotide variant.
Coding change: c.1084G>T on transcript NM_025074.7 (MANE Select); coding-DNA position 1084, G replaced by T.
Protein change: p.Ala362Ser; replaces alanine 362 with serine.
Molecular consequence: missense variant.
Genome position (GRCh38, 1-based): chr4:78,281,410, G>T. VCF-style: chr4-78281410-G-T. GRCh37 (hg19) VCF-style: chr4-79202564-G-T.
Other names: c.1084G>T, p.Ala362Ser (NM_001166133.2); short protein forms A362S.
Identifiers: ClinVar variation 3900847 (VCV003900847.2).